The following is an entry in ClinVar:

NC_000019.9:g.(?_11094828)_(11114083_?)del

Gene: SMARCA4 (SWI/SNF related BAF chromatin remodeling complex subunit ATPase 4; plus strand). Cytogenetic location: 19p13.2.
Variant type: Deletion.
Identifiers: ClinVar variation 1459202 (VCV001459202.4).

ClinVar aggregate classification (germline): Pathogenic (1 of 4 stars; one submission).

Conditions:
Rhabdoid tumor predisposition syndrome 2 (RTPS2). Identifiers: Orphanet 231108, Orphanet 69077, MedGen C2750074, MONDO:0013224, OMIM 613325.

Submission:

Labcorp Genetics (formerly Invitae), Labcorp
Classification: Pathogenic for Rhabdoid tumor predisposition syndrome 2. Last evaluated: 2020-11-10. Review status: criteria provided, single submitter. Criteria: Invitae Variant Classification Sherloc (09022015). Collection method: clinical testing. Allele origin: germline.
Comment: For these reasons, this variant has been classified as Pathogenic. This variant has not been reported in the literature in individuals with SMARCA4-related conditions. This variant is a gross deletion of the genomic region encompassing exon(s) 2-13 of the SMARCA4 gene, which includes the initiator codon. The 5' end of this event is unknown as it extends beyond the assayed region for this gene and therefore may encompass additional genes. The 3' boundary is likely confined to intron 13 of the SMARCA4 gene. It is expected to result in an absent or disrupted protein product. Loss-of-function variants in SMARCA4 are known to be pathogenic (PMID: 24658001, 24658002).

Literature cited by the submitters: PubMed 24658001; PubMed 24658002.